The following is an entry in ClinVar:

ClinVar aggregate classification (germline): Uncertain significance. Review status: criteria provided, multiple submitters, no conflicts (2 of 4 stars). 3 submissions from 3 submitters: Uncertain significance (2). 1 of the submissions does not count toward it. Last evaluated 2025-04-20.

Conditions:
Hypertrophic cardiomyopathy 14. Identifiers: MedGen C2750467, MONDO:0013197, OMIM 613251.
Cardiovascular phenotype. Identifiers: MedGen CN230736.
MYH6-related disorder. Also called: MYH6-related condition; MYH6-Related Disorders.

Allele frequency attached by ClinVar (database versions not stated): ExAC 0.00001.
gnomAD v4.1: 1 of 1,614,258 alleles (0.000062%); highest among the groups gnomAD compares: Non-Finnish European, 0.000085%; no homozygotes.

Submissions (3):

Labcorp Genetics (formerly Invitae), Labcorp
Classification: Uncertain significance for Hypertrophic cardiomyopathy 14. Last evaluated: 2025-04-20. Review status: criteria provided, single submitter. Criteria: Invitae Variant Classification Sherloc (09022015). Collection method: clinical testing. Allele origin: germline.
Comment: This sequence change replaces alanine, which is neutral and non-polar, with serine, which is neutral and polar, at codon 1779 of the MYH6 protein (p.Ala1779Ser). This variant is present in population databases (rs777220078, gnomAD 0.0009%). This variant has not been reported in the literature in individuals affected with MYH6-related conditions. ClinVar contains an entry for this variant (Variation ID: 1746899). Invitae Evidence Modeling of protein sequence and biophysical properties (such as structural, functional, and spatial information, amino acid conservation, physicochemical variation, residue mobility, and thermodynamic stability) indicates that this missense variant is not expected to disrupt MYH6 protein function with a negative predictive value of 80%. In summary, the available evidence is currently insufficient to determine the role of this variant in disease. Therefore, it has been classified as a Variant of Uncertain Significance.

Ambry Genetics
Classification: Uncertain significance for Cardiovascular phenotype. Last evaluated: 2025-02-03. Review status: criteria provided, single submitter. Criteria: Ambry Variant Classification Scheme 2023. Collection method: clinical testing. Allele origin: germline.

PreventionGenetics, part of Exact Sciences
Classification: Uncertain significance for MYH6-related condition. Last evaluated: 2023-12-01. Review status: no assertion criteria provided. Collection method: clinical testing. Allele origin: germline. Not counted in ClinVar's aggregate classification.
Comment: The MYH6 c.5335G>T variant is predicted to result in the amino acid substitution p.Ala1779Ser. To our knowledge, this variant has not been reported in the literature. This variant is reported in 0.00088% of alleles in individuals of European (Non-Finnish) descent in gnomAD. At this time, the clinical significance of this variant is uncertain due to the absence of conclusive functional and genetic evidence.

NM_002471.4(MYH6):c.5335G>T (p.Ala1779Ser)

Gene: MYH6 (myosin heavy chain 6; minus strand). Cytogenetic location: 14q11.2.
Variant type: single nucleotide variant.
Coding change: c.5335G>T on transcript NM_002471.4 (MANE Select); coding-DNA position 5335, G replaced by T.
Protein change: p.Ala1779Ser; replaces alanine 1779 with serine.
Molecular consequence: missense variant.
Genome position (GRCh38, 1-based): chr14:23,384,672, C>A on the plus strand (G>T on the coding strand, the complement: MYH6 is on the minus strand). VCF-style: chr14-23384672-C-A. GRCh37 (hg19) VCF-style: chr14-23853881-C-A.
Other names: short protein forms A1779S.
Identifiers: ClinVar variation 1746899 (VCV001746899.8), dbSNP rs777220078, ClinGen allele CA7114454.